The following is an entry in ClinVar:

ClinVar aggregate classification (germline): conflicting data from submitters (0 of 4 stars; one submission).

Submission:

ISCA site 1
Classification: conflicting data from submitters. Last evaluated: 2011-10-10. Review status: no assertion criteria provided. Collection method: clinical testing. Allele origin: unknown, paternal. Affected: yes. Observed: 2 variant alleles.
Comment: Uncertain significance(1), Likely benign (1)

Copy number variation identified through the course of routine clinical cytogenomic testing in postnatal populations, with clinical assertions as classified by the original submitter. For data from the original published study, Kaminsky, et al. 2011 (PubMed 21844811), please see nstd101.

GRCh38/hg38 21q21.1(chr21:20582409-20945246)x1

Genes: LINC00320 (long intergenic non-protein coding RNA 320; minus strand), LOC121853025 (Sharpr-MPRA regulatory region 8374; plus strand), LOC126653322 (MED14-independent group 3 enhancer GRCh37_chr21:21964409-21965608; plus strand), LOC126653323 (CDK7 strongly-dependent group 2 enhancer GRCh37_chr21:22061254-22062453; plus strand), LOC129391230 (MPRA-validated peak4374 silencer; plus strand) and 2 more. Cytogenetic location: 21q21.1.
Variant type: copy number loss.
Change: copy number 1 (one copy instead of two) of chr21:20,582,409-20,945,246 (362.8 kb, GRCh38 coordinates, 1-based), cytogenetic band 21q21.1.
Identifiers: ClinVar variation 146203 (VCV000146203.2).